The following is an entry in ClinVar:

ClinVar aggregate classification (germline): Uncertain significance. Review status: criteria provided, multiple submitters, no conflicts (2 of 4 stars). 3 submissions from 3 submitters: Uncertain significance (2). 1 of the submissions does not count toward it. Last evaluated 2026-03-13.

Conditions:
Congenital heart defects, multiple types, 9 (CHTD9). Identifiers: MedGen C5830367, MONDO:0859532, OMIM 620294.
Kleine-Levin syndrome. Also called: KLEINE-LEVIN HIBERNATION SYNDROME. Identifiers: Orphanet 33543, MedGen C0206085, MONDO:0007863, OMIM 148840.

Allele frequency attached by ClinVar (database versions not stated): ExAC 0.00025; TOPMed 0.00040; gnomAD 0.00045; ESP Exome Variant Server 0.00054; gnomAD exomes 0.00055.
gnomAD v4.1: 857 of 1,613,344 alleles (0.053%); highest among the groups gnomAD compares: Non-Finnish European, 0.069%; no homozygotes.

Submissions (3):

GeneDx
Classification: Uncertain significance. Last evaluated: 2026-03-13. Review status: criteria provided, single submitter. Criteria: GeneDx Variant Classification Process June 2021. Collection method: clinical testing. Allele origin: germline.
Comment: In silico analysis suggests that this missense variant does not alter protein structure/function; Has not been previously published as pathogenic or benign in association with a PLXND1-related disorder to our knowledge; This variant is associated with the following publications: (PMID: 35999217)

Clinical Genomics Laboratory, Washington University in St. Louis
Classification: Uncertain significance for Congenital heart defects, multiple types, 9. Last evaluated: 2025-04-23. Review status: criteria provided, single submitter. Criteria: ACMG Guidelines, 2015. Collection method: clinical testing. Allele origin: germline.
Comment: The PLXND1 c.5629A>G (p.Ile1877Val) variant, to our knowledge, has not been reported in the medical literature. The highest population minor allele frequency in the population database genome aggregation database v.4.1 is 0.07% in the European non-Finnish population. Computational predictors suggest that the variant does not impact PLXND1 function. This variant has been reported in the ClinVar database as a germline variant of uncertain significance by one submitter for Kleine-Levin syndrome (ClinVar Variation ID: 1810414). Due to limited information, and based on ACMG/AMP guidelines for variant interpretation (Richards S et al., PMID: 25741868), the clinical significance of this variant is uncertain at this time.

Undiagnosed Diseases Network, NIH
Classification: Uncertain significance for Kleine-Levin syndrome. Last evaluated: 2017-10-19. Review status: no assertion criteria provided. Collection method: clinical testing. Allele origin: maternal. Affected: yes. Observed: 1 variant allele, 1 compound heterozygote. Study: Undiagnosed Diseases Network (NIH), UDN. Not counted in ClinVar's aggregate classification.

NM_015103.3(PLXND1):c.5629A>G (p.Ile1877Val)

Gene: PLXND1 (plexin D1; minus strand). Cytogenetic location: 3q22.1.
Variant type: single nucleotide variant.
Coding change: c.5629A>G on transcript NM_015103.3 (MANE Select); coding-DNA position 5629, A replaced by G.
Protein change: p.Ile1877Val; replaces isoleucine 1877 with valine.
Molecular consequence: missense variant.
Genome position (GRCh38, 1-based): chr3:129,556,649, T>C on the plus strand (A>G on the coding strand, the complement: PLXND1 is on the minus strand). VCF-style: chr3-129556649-T-C. GRCh37 (hg19) VCF-style: chr3-129275492-T-C.
Other names: p.I1877V; c.5629A>G (NM_015103.2); short protein forms I1877V.
Identifiers: ClinVar variation 1810414 (VCV001810414.4), dbSNP rs138395396, ClinGen allele CA2607773.
Genomic context (GRCh38, chr3:129,556,649, plus strand): 5'-GGCAGGTGCCTCACCCTGGGGCACTCACCTGCGGCCGATACCTCTTGGCGTACTTATAAA[T>C]CTCTGCCATGGCCACATTGGTGTTGAACTCATTCTGGTATTTCTATAAGGAGGCAGGATG-3'
Protein context (NP_055918.3, residues 1867-1887): EFNTNVAMAE[Ile1877Val]YKYAKRYRPQ